The following is an entry in ClinVar:

NM_001042424.3(NSD2):c.3291C>G (p.Ile1097Met)

Gene: NSD2 (nuclear receptor binding SET domain protein 2; plus strand). Cytogenetic location: 4p16.3.
Variant type: single nucleotide variant.
Coding change: c.3291C>G on transcript NM_001042424.3 (MANE Select); coding-DNA position 3291, C replaced by G.
Protein change: p.Ile1097Met; replaces isoleucine 1097 with methionine.
Molecular consequence: missense variant.
Genome position (GRCh38, 1-based): chr4:1,961,070, C>G. VCF-style: chr4-1961070-C-G. GRCh37 (hg19) VCF-style: chr4-1962797-C-G.
Other names: c.3291C>G, p.Ile1097Met (NM_133330.3, NM_133331.3, NM_133335.4); short protein forms I1097M.
Identifiers: ClinVar variation 3364912 (VCV003364912.1).

ClinVar aggregate classification (germline): Uncertain significance (1 of 4 stars; one submission).

Submission:

GeneDx
Classification: Uncertain significance. Last evaluated: 2023-11-30. Review status: criteria provided, single submitter. Criteria: GeneDx Variant Classification Process June 2021. Collection method: clinical testing. Allele origin: germline. Affected: yes.
Comment: Not observed at significant frequency in large population cohorts (gnomAD); In silico analysis supports that this missense variant has a deleterious effect on protein structure/function; Has not been previously published as pathogenic or benign to our knowledge